The following is an entry in ClinVar:

NM_000264.5(PTCH1):c.1781C>T (p.Ala594Val)

Genes: PTCH1 (patched 1; minus strand), LOC100507346 (uncharacterized LOC100507346; plus strand). Cytogenetic location: 9q22.32.
Variant type: single nucleotide variant.
Coding change: c.1781C>T on transcript NM_000264.5 (MANE Select); coding-DNA position 1781, C replaced by T.
Protein change: p.Ala594Val; replaces alanine 594 with valine.
Molecular consequence: missense variant. On other transcripts: non-coding transcript variant (2).
Genome position (GRCh38, 1-based): chr9:95,469,879, G>A on the plus strand (C>T on the coding strand, the complement: PTCH1 is on the minus strand). VCF-style: chr9-95469879-G-A. GRCh37 (hg19) VCF-style: chr9-98232161-G-A.
Other names: c.1583C>T, p.Ala528Val (NM_001083602.3); c.1778C>T, p.Ala593Val (NM_001083603.3); c.1328C>T, p.Ala443Val (NM_001083604.3, NM_001083605.3, NM_001083606.3 and 1 more transcripts); c.1625C>T, p.Ala542Val (NM_001354918.2); short protein forms A443V, A542V, A528V, A593V, A594V.
Identifiers: ClinVar variation 2107695 (VCV002107695.4), dbSNP rs2118093849, ClinGen allele CA374116363.

ClinVar aggregate classification (germline): Uncertain significance (1 of 4 stars; one submission).

Conditions:
Gorlin syndrome. Also called: Basal cell nevus syndrome; Nevoid Basal Cell Carcinoma Syndrome. Identifiers: Orphanet 377, MedGen C0004779, MONDO:0007187.

Submission:

Labcorp Genetics (formerly Invitae), Labcorp
Classification: Uncertain significance for Gorlin syndrome. Last evaluated: 2022-03-14. Review status: criteria provided, single submitter. Criteria: Invitae Variant Classification Sherloc (09022015). Collection method: clinical testing. Allele origin: germline.
Comment: This variant is not present in population databases (gnomAD no frequency). This sequence change replaces alanine, which is neutral and non-polar, with valine, which is neutral and non-polar, at codon 594 of the PTCH1 protein (p.Ala594Val). This variant has not been reported in the literature in individuals affected with PTCH1-related conditions. In summary, the available evidence is currently insufficient to determine the role of this variant in disease. Therefore, it has been classified as a Variant of Uncertain Significance. Advanced modeling of protein sequence and biophysical properties (such as structural, functional, and spatial information, amino acid conservation, physicochemical variation, residue mobility, and thermodynamic stability) performed at Invitae indicates that this missense variant is not expected to disrupt PTCH1 protein function.